The following is an entry in ClinVar:

ClinVar aggregate classification (germline): Uncertain significance (1 of 4 stars; one submission).

Submission:

Labcorp Genetics (formerly Invitae), Labcorp
Classification: Uncertain significance. Last evaluated: 2025-07-21. Review status: criteria provided, single submitter. Criteria: Invitae Variant Classification Sherloc (09022015). Collection method: clinical testing. Allele origin: germline.
Comment: This sequence change replaces proline, which is neutral and non-polar, with threonine, which is neutral and polar, at codon 73 of the DEAF1 protein (p.Pro73Thr). This variant is not present in population databases (gnomAD no frequency). This variant has not been reported in the literature in individuals affected with DEAF1-related conditions. ClinVar contains an entry for this variant (Variation ID: 3698265). Invitae Evidence Modeling of protein sequence and biophysical properties (such as structural, functional, and spatial information, amino acid conservation, physicochemical variation, residue mobility, and thermodynamic stability) has been performed for this missense variant. However, the output from this modeling did not meet the statistical confidence thresholds required to predict the impact of this variant on DEAF1 protein function. In summary, the available evidence is currently insufficient to determine the role of this variant in disease. Therefore, it has been classified as a Variant of Uncertain Significance.

NM_021008.4(DEAF1):c.217C>A (p.Pro73Thr)

Gene: DEAF1 (DEAF1 transcription factor; minus strand). Cytogenetic location: 11p15.5.
Variant type: single nucleotide variant.
Coding change: c.217C>A on transcript NM_021008.4 (MANE Select); coding-DNA position 217, C replaced by A.
Protein change: p.Pro73Thr; replaces proline 73 with threonine.
Molecular consequence: missense variant. On other transcripts: intron variant (1).
Genome position (GRCh38, 1-based): chr11:694,831, G>T on the plus strand (C>A on the coding strand, the complement: DEAF1 is on the minus strand). VCF-style: chr11-694831-G-T. GRCh37 (hg19) VCF-style: chr11-694831-G-T.
Other names: c.217C>A, p.Pro73Thr (NM_001293634.2); c.-437-3233C>A (NM_001367390.1); short protein forms P73T.
Identifiers: ClinVar variation 3698265 (VCV003698265.2).
Genomic context (GRCh38, chr11:694,831, plus strand): 5'-CGGCAGCGGCGGCCTCGTCGGGGCCGGGCAGGGCCTCGGCGCCCATGTCCATGTGCCCGG[G>T]CTCCGCCGCCATCACCGCCACTGCCGTGACCCGCGGCGTCTCCCGCTCCGCCTCCGAGTC-3'
Protein context (NP_066288.2, residues 63-83): VTAVAVMAAE[Pro73Thr]GHMDMGAEAL